The following is an entry in ClinVar:

NM_001370466.1(NOD2):c.2852G>A (p.Gly951Glu)

Gene: NOD2 (nucleotide binding oligomerization domain containing 2; plus strand). Cytogenetic location: 16q12.1.
Variant type: single nucleotide variant.
Coding change: c.2852G>A on transcript NM_001370466.1 (MANE Select); coding-DNA position 2852, G replaced by A.
Protein change: p.Gly951Glu; replaces glycine 951 with glutamic acid.
Molecular consequence: missense variant. On other transcripts: non-coding transcript variant (1).
Genome position (GRCh38, 1-based): chr16:50,725,539, G>A. VCF-style: chr16-50725539-G-A. GRCh37 (hg19) VCF-style: chr16-50759450-G-A.
Other names: c.2933G>A (LRG_177t1); c.2852G>A, p.Gly951Glu (NM_001293557.2); c.2933G>A, p.Gly978Glu (NM_022162.3); short protein forms G978E, G951E.
Identifiers: ClinVar variation 97872 (VCV000097872.20), dbSNP rs104895457, ClinGen allele CA150320.

ClinVar aggregate classification (germline): Conflicting classifications of pathogenicity. Review status: criteria provided, conflicting classifications (1 of 4 stars). 9 submissions from 8 submitters: Uncertain significance (7); Likely benign (1). 1 of the submissions does not count toward it. Last evaluated 2026-10-03.

Conditions:
Blau syndrome (BLAUS). Also called: GRANULOMATOSIS, FAMILIAL JUVENILE SYSTEMIC; GRANULOMATOSIS, FAMILIAL, BLAU TYPE; GRANULOMATOUS INFLAMMATORY ARTHRITIS, DERMATITIS, AND UVEITIS, FAMILIAL; JABS SYNDROME; ARTHROCUTANEOUVEAL GRANULOMATOSIS. Identifiers: Orphanet 90340, MedGen C5201146, MONDO:0008523, OMIM 186580.
Inflammatory bowel disease 1 (IBD1). Also called: Inflammatory bowel disease 1, Crohn disease; INFLAMMATORY BOWEL DISEASE (CROHN DISEASE) 1. Identifiers: MedGen CN260071, MONDO:0009960, OMIM 266600.
Yao syndrome. Also called: Susceptibility to Yao syndrome. Identifiers: MedGen C4310620, MONDO:0015019, OMIM 617321.
Regional enteritis. Also called: Enteritis, Granulomatous. Identifiers: MedGen C0678202, MeSH D003424.

Allele frequency attached by ClinVar (database versions not stated): gnomAD exomes 0.00004; gnomAD 0.00005 and 0.00004; TOPMed 0.00003; ExAC 0.00003.

Submissions (9):

GeneDx
Classification: Uncertain significance. Last evaluated: 2026-10-03. Review status: criteria provided, single submitter. Criteria: GeneDx Variant Classification Process June 2021. Collection method: clinical testing. Allele origin: germline.
Comment: Identified in an individual with Chron's disease, but familial segregation information and additional clinical information were not included (PMID: 11875755); Published functional studies suggest no significant change in protein function compared to wild-type (PMID: 15044951); In silico analysis suggests that this missense variant does not alter protein structure/function; This variant is associated with the following publications: (PMID: 11875755, 15044951)

Labcorp Genetics (formerly Invitae), Labcorp
Classification: Uncertain significance for Regional enteritis; Blau syndrome. Last evaluated: 2026-01-24. Review status: criteria provided, single submitter. Criteria: Invitae Variant Classification Sherloc (09022015). Collection method: clinical testing. Allele origin: germline.
Comment: This sequence change replaces glycine, which is neutral and non-polar, with glutamic acid, which is acidic and polar, at codon 978 of the NOD2 protein (p.Gly978Glu). This variant is present in population databases (rs104895457, gnomAD 0.01%). This missense change has been observed in individual(s) with Crohn's disease (PMID: 11875755). ClinVar contains an entry for this variant (Variation ID: 97872). Invitae Evidence Modeling of protein sequence and biophysical properties (such as structural, functional, and spatial information, amino acid conservation, physicochemical variation, residue mobility, and thermodynamic stability) has been performed for this missense variant. However, the output from this modeling did not meet the statistical confidence thresholds required to predict the impact of this variant on NOD2 protein function. Experimental studies have shown that this missense change does not substantially affect NOD2 function (PMID: 15044951). In summary, the available evidence is currently insufficient to determine the role of this variant in disease. Therefore, it has been classified as a Variant of Uncertain Significance.

ARUP Laboratories, Molecular Genetics and Genomics, ARUP Laboratories
Classification: Uncertain significance. Last evaluated: 2025-06-04. Review status: criteria provided, single submitter. Criteria: ARUP Molecular Germline Variant Investigation Process 2024. Collection method: clinical testing. Allele origin: germline.
Comment: The NOD2 c.2933G>A; p.Gly978Glu variant (rs104895457, ClinVar Variation ID: 97872) is reported in the literature in one individuals affected with Crohnâ€™s disease (Lesage 2002). This variant is found in the general population with an overall allele frequency of 0.004% (12/282,522 alleles) in the Genome Aggregation Database (v2.1.1). Computational analyses are uncertain whether this variant is neutral or deleterious (REVEL: 0.339). In vitro functional analyses demonstrate NF-kB activity similar to WT in response to muramyl dipeptide (Tanabe 2004). Due to limited information, the clinical significance of this variant is uncertain at this time. References: Lesage S et al. CARD15/NOD2 mutational analysis and genotype-phenotype correlation in 612 patients with inflammatory bowel disease. Am J Hum Genet. 2002 Apr;70(4):845-57. PMID: 11875755. Tanabe T et al. Regulatory regions and critical residues of NOD2 involved in muramyl dipeptide recognition. EMBO J. 2004 Apr 7;23(7):1587-97. PMID: 15044951.

Blueprint Genetics
Classification: Uncertain significance. Last evaluated: 2024-10-09. Review status: criteria provided, single submitter. Criteria: ACMG Guidelines, 2015. Collection method: clinical testing. Allele origin: germline.

Department of Pathology and Laboratory Medicine, Sinai Health System
Classification: Likely benign for Blau syndrome; Inflammatory bowel disease 1; Yao syndrome. Last evaluated: 2020-04-21. Review status: criteria provided, single submitter. Criteria: ACMG Guidelines, 2015. Collection method: research. Allele origin: germline.

Baylor Genetics
Classification: Uncertain significance for Blau syndrome. Last evaluated: 2019-08-17. Review status: criteria provided, single submitter. Criteria: ACMG Guidelines, 2015. Collection method: clinical testing. Allele origin: unknown. Affected: yes.
Comment: This variant was determined to be of uncertain significance according to ACMG Guidelines, 2015 [PMID:25741868].

Illumina Laboratory Services, Illumina
Classification: Uncertain significance for Blau syndrome. Last evaluated: 2017-04-27. Review status: criteria provided, single submitter. Criteria: ICSL Variant Classification Criteria 13 December 2019. Collection method: clinical testing. Allele origin: germline.

Illumina Laboratory Services, Illumina
Classification: Uncertain significance for Inflammatory bowel disease 1. Last evaluated: 2017-04-27. Review status: criteria provided, single submitter. Criteria: ICSL Variant Classification Criteria 13 December 2019. Collection method: clinical testing. Allele origin: germline.
Comment: This variant was observed as part of a predisposition screen in an ostensibly healthy population. A literature search was performed for the gene, cDNA change, and amino acid change (where applicable). Publications were found based on this search. However, the evidence from the literature, in combination with allele frequency data from public databases where available, was not sufficient to rule this variant in or out of causing disease. Therefore, this variant is classified as a variant of unknown significance.

Unité médicale des maladies autoinflammatoires, CHRU Montpellier
No classification provided. Condition: Sarcoidosis, early-onset. Review status: no classification provided. Collection method: not provided. Allele origin: unknown. Not counted in ClinVar's aggregate classification.
Comment: also involved in OMIM 186580 and 266600

Literature cited by the submitters: PubMed 11875755 (cited by Labcorp Genetics (formerly Invitae), Labcorp and Illumina Laboratory Services, Illumina); PubMed 15044951 (cited by Labcorp Genetics (formerly Invitae), Labcorp and Illumina Laboratory Services, Illumina).